The following is an entry in ClinVar:

NM_020366.4(RPGRIP1):c.218+2T>A

Gene: RPGRIP1 (RPGR interacting protein 1; plus strand). Cytogenetic location: 14q11.2.
Variant type: single nucleotide variant.
Coding change: c.218+2T>A on transcript NM_020366.4 (MANE Select); the canonical splice donor site of the intron after coding-DNA position 218, T replaced by A.
Molecular consequence: splice donor variant.
Genome position (GRCh38, 1-based): chr14:21,294,811, T>A. VCF-style: chr14-21294811-T-A. GRCh37 (hg19) VCF-style: chr14-21762970-T-A.
Identifiers: ClinVar variation 2582916 (VCV002582916.25), dbSNP rs2502690439, ClinGen allele CA388857932.
Genomic context (GRCh38, chr14:21,294,811, plus strand): 5'-CGCGAAGATCACATGTTGGTGAAGGAGCTTTCTTGGAAGCAACAGGATGAGATCAAAAGG[T>A]ACTTAGAGTTCTCCTTAAATTTTTTTTTTTTTTTTTTTTTTTTTTTTTTTTGAGACGGAG-3'

ClinVar aggregate classification (germline): Pathogenic (1 of 4 stars; one submission).

Allele frequency attached by ClinVar (database versions not stated): gnomAD exomes below 0.00001.

Submission:

CeGaT Center for Human Genetics Tuebingen
Classification: Pathogenic. Last evaluated: 2023-09-01. Review status: criteria provided, single submitter. Criteria: CeGaT Center For Human Genetics Tuebingen Variant Classification Criteria Version 2. Collection method: clinical testing. Allele origin: germline. Affected: yes. Observed: 1 variant allele.
Comment: RPGRIP1: PVS1, PM2, PM3